The following is an entry in ClinVar:

ClinVar aggregate classification (germline): Uncertain significance. Review status: criteria provided, multiple submitters, no conflicts (2 of 4 stars). 2 submissions from 2 submitters: Uncertain significance (2). Last evaluated 2025-04-18.

Conditions:
Hereditary cancer-predisposing syndrome. Also called: Neoplastic Syndromes, Hereditary; Hereditary Cancer Syndrome; Hereditary neoplastic syndrome; Tumor predisposition. Identifiers: Orphanet 140162, MedGen C0027672, MeSH D009386, MONDO:0015356.
Renal cell carcinoma. Identifiers: Orphanet 217071, MedGen C0007134, MeSH D002292, MONDO:0005086, HP:0005584.

Allele frequency attached by ClinVar (database versions not stated): TOPMed below 0.00001.

Submissions (2):

Ambry Genetics
Classification: Uncertain significance for Hereditary cancer-predisposing syndrome. Last evaluated: 2025-04-18. Review status: criteria provided, single submitter. Criteria: Ambry Variant Classification Scheme 2023. Collection method: clinical testing. Allele origin: germline.
Comment: The p.G890V variant (also known as c.2669G>T), located in coding exon 11 of the MET gene, results from a G to T substitution at nucleotide position 2669. The glycine at codon 890 is replaced by valine, an amino acid with dissimilar properties. This amino acid position is conserved. In addition, this alteration is predicted to be deleterious by in silico analysis. Based on the available evidence, the clinical significance of this variant remains unclear.

Labcorp Genetics (formerly Invitae), Labcorp
Classification: Uncertain significance for Renal cell carcinoma. Last evaluated: 2023-03-18. Review status: criteria provided, single submitter. Criteria: Invitae Variant Classification Sherloc (09022015). Collection method: clinical testing. Allele origin: germline.
Comment: This variant has not been reported in the literature in individuals affected with MET-related conditions. This sequence change replaces glycine, which is neutral and non-polar, with valine, which is neutral and non-polar, at codon 890 of the MET protein (p.Gly890Val). This variant is not present in population databases (gnomAD no frequency). Advanced modeling of protein sequence and biophysical properties (such as structural, functional, and spatial information, amino acid conservation, physicochemical variation, residue mobility, and thermodynamic stability) performed at Invitae indicates that this missense variant is expected to disrupt MET protein function. Algorithms developed to predict the effect of sequence changes on RNA splicing suggest that this variant may disrupt the consensus splice site. In summary, the available evidence is currently insufficient to determine the role of this variant in disease. Therefore, it has been classified as a Variant of Uncertain Significance.

NM_000245.4(MET):c.2615G>T (p.Gly872Val)

Gene: MET (MET proto-oncogene, receptor tyrosine kinase; plus strand). Cytogenetic location: 7q31.2.
Variant type: single nucleotide variant.
Coding change: c.2615G>T on transcript NM_000245.4 (MANE Select); coding-DNA position 2615, G replaced by T.
Protein change: p.Gly872Val; replaces glycine 872 with valine.
Molecular consequence: missense variant.
Genome position (GRCh38, 1-based): chr7:116,769,676, G>T. VCF-style: chr7-116769676-G-T. GRCh37 (hg19) VCF-style: chr7-116409730-G-T.
Other names: c.2669G>T, p.Gly890Val (NM_001127500.3); c.2615G>T, p.Gly872Val (NM_001324401.3); c.1325G>T, p.Gly442Val (NM_001324402.2); short protein forms G442V, G872V, G890V.
Identifiers: ClinVar variation 2847132 (VCV002847132.4), dbSNP rs1427051207, ClinGen allele CA368985379.